The following is an entry in ClinVar:

NM_005400.3(PRKCE):c.373_389del (p.Val125fs)

Gene: PRKCE (protein kinase C epsilon; plus strand). Cytogenetic location: 2p21.
Variant type: Deletion.
Coding change: c.373_389del on transcript NM_005400.3 (MANE Select); coding-DNA positions 373 to 389, 17 bases deleted (GTGTATGTGATCATCGA).
Protein change: p.Val125fs; shifts the reading frame from valine 125.
Molecular consequence: frameshift variant.
Genome position (GRCh38, 1-based): chr2:45,843,024-45,843,040, GTGTATGTGATCATCGA deleted; deleting any 17 consecutive bases within chr2:45,843,022-45,843,040 gives the same sequence; the c. name uses the placement nearest the transcript's 3' end. VCF-style (leftmost placement, unchanged base first): chr2-45843021-AGAGTGTATGTGATCATC-A. GRCh37 (hg19) VCF-style: chr2-46070160-AGAGTGTATGTGATCATC-A.
Other names: short protein forms V125fs.
Identifiers: ClinVar variation 2819482 (VCV002819482.3), dbSNP rs2467454270, ClinGen allele CA2739274339.
Genomic context (GRCh38, chr2:45,843,021, plus strand): 5'-AATGCACTAACAGAGTCACTGTCATTTTCTTAATTGCAGATTGATCTGGAGCCAGAAGGA[AGAGTGTATGTGATCATC>A]GATCTCTCAGGGTCGTCGGGTGAAGGTAGGAGAGCGTGACTTCTCATCCCTGTTTTCTTC-3'

ClinVar aggregate classification (germline): Uncertain significance (1 of 4 stars; one submission).

Submission:

Labcorp Genetics (formerly Invitae), Labcorp
Classification: Uncertain significance. Last evaluated: 2022-12-08. Review status: criteria provided, single submitter. Criteria: Invitae Variant Classification Sherloc (09022015). Collection method: clinical testing. Allele origin: germline.
Comment: Experimental studies and prediction algorithms are not available or were not evaluated, and the functional significance of this variant is currently unknown. This variant has not been reported in the literature in individuals affected with PRKCE-related conditions. This variant is not present in population databases (gnomAD no frequency). This sequence change creates a premature translational stop signal (p.Val125Serfs*7) in the PRKCE gene. It is expected to result in an absent or disrupted protein product. However, the current clinical and genetic evidence is not sufficient to establish whether loss-of-function variants in PRKCE cause disease. In summary, the available evidence is currently insufficient to determine the role of this variant in disease. Therefore, it has been classified as a Variant of Uncertain Significance.